The following is an entry in ClinVar:

ClinVar aggregate classification (germline): Uncertain significance. Review status: criteria provided, multiple submitters, no conflicts (2 of 4 stars). 2 submissions from 2 submitters: Uncertain significance (2). Last evaluated 2023-10-24.

Conditions:
Immunodeficiency 39 (IMD39). Identifiers: Orphanet 574918, MedGen C4225358, MONDO:0014597, OMIM 616345.

Allele frequency attached by ClinVar (database versions not stated): gnomAD exomes below 0.00001.

Submissions (2):

Labcorp Genetics (formerly Invitae), Labcorp
Classification: Uncertain significance for Immunodeficiency 39. Last evaluated: 2023-10-24. Review status: criteria provided, single submitter. Criteria: Invitae Variant Classification Sherloc (09022015). Collection method: clinical testing. Allele origin: germline.
Comment: This sequence change replaces glycine, which is neutral and non-polar, with glutamic acid, which is acidic and polar, at codon 319 of the IRF7 protein (p.Gly319Glu). The frequency data for this variant in the population databases is considered unreliable, as metrics indicate poor data quality at this position in the gnomAD database. This variant has not been reported in the literature in individuals affected with IRF7-related conditions. ClinVar contains an entry for this variant (Variation ID: 2330840). Advanced modeling of protein sequence and biophysical properties (such as structural, functional, and spatial information, amino acid conservation, physicochemical variation, residue mobility, and thermodynamic stability) performed at Invitae indicates that this missense variant is not expected to disrupt IRF7 protein function with a negative predictive value of 80%. In summary, the available evidence is currently insufficient to determine the role of this variant in disease. Therefore, it has been classified as a Variant of Uncertain Significance.

Ambry Genetics
Classification: Uncertain significance. Last evaluated: 2022-12-01. Review status: criteria provided, single submitter. Criteria: Ambry Variant Classification Scheme 2023. Collection method: clinical testing. Allele origin: germline.

NM_001572.5(IRF7):c.917G>A (p.Gly306Glu)

Gene: IRF7 (interferon regulatory factor 7; minus strand). Cytogenetic location: 11p15.5.
Variant type: single nucleotide variant.
Coding change: c.917G>A on transcript NM_001572.5 (MANE Select); coding-DNA position 917, G replaced by A.
Protein change: p.Gly306Glu; replaces glycine 306 with glutamic acid.
Molecular consequence: missense variant.
Genome position (GRCh38, 1-based): chr11:613,526, C>T on the plus strand (G>A on the coding strand, the complement: IRF7 is on the minus strand). VCF-style: chr11-613526-C-T. GRCh37 (hg19) VCF-style: chr11-613526-C-T.
Other names: c.830G>A, p.Gly277Glu (NM_004029.4); c.956G>A, p.Gly319Glu (NM_004031.4); short protein forms G277E, G319E, G306E.
Identifiers: ClinVar variation 2330840 (VCV002330840.5), dbSNP rs1266823042, ClinGen allele CA378979525.